The following continues an entry in ClinVar:

NM_000540.3(RYR1):c.2320G>A (p.Gly774Arg)

Gene: RYR1. ClinVar aggregate classification (germline): Uncertain significance. Uncertain significance (11).

Submissions 9 to 13 of 13:

Victorian Clinical Genetics Services, Murdoch Childrens Research Institute
Classification: Uncertain significance for RYR1-related myopathy. Last evaluated: 2022-03-31. Review status: criteria provided, single submitter. Criteria: ACMG Guidelines, 2015. Collection method: clinical testing. Allele origin: germline.
Comment: Based on the classification scheme VCGS_Germline_v1.3.4, this variant is classified as VUS-3B. Following criteria are met: 0103 - Loss of function and gain of function are known mechanisms of disease in this gene and are associated with RYR1-related disorders (OMIM). Gain of function mechanism has been described in the context of malignant hyperthermia susceptibility (MIM#145600) and monoallelic central core disease and congenital neuromuscular disease with uniform type 1 fiber (MIM#117000). Biallelic central core disease, congenital neuromuscular disease with uniform type 1 fiber (MIM#117000) and minicore myopathy with external ophthalmoplegia (MIM#255320) are associated with a loss of function mechanism (PMIDs: 27855725, 23919265). (I) 0108 - This gene is associated with both recessive and dominant disease (OMIM). (I) 0200 - Variant is predicted to result in a missense amino acid change from glycine to arginine. (I) 0251 - This variant is heterozygous. (I) 0304 - Variant is present in gnomAD <0.01 (v2: 71 heterozygotes, 0 homozygotes). (SP) 0501 - Missense variant consistently predicted to be damaging by multiple in silico tools or highly conserved with a major amino acid change. (SP) 0600 - Variant is located in the annotated SPRY domain (DECIPHER). (I) 0705 - No comparable missense variants have previous evidence for pathogenicity. (I) 0809 - Previous evidence of pathogenicity for this variant is inconclusive. This variant has been reported in an individual with rhabdomyolysis, who was malignant hyperthermia negative on an in vitro contracture test (PMID: 32236737). This variant has been reported as a VUS in ClinVar. (I) 0905 - No published segregation evidence has been identified for this variant. (I) 1007 - No published functional evidence has been identified for this variant. (I) 1208 - Inheritance information for this variant is not currently available in this individual. (I) Legend: (SP) - Supporting pathogenic, (I) - Information, (SB) - Supporting benign

Fulgent Genetics
Classification: Uncertain significance for Central core myopathy; Malignant hyperthermia, susceptibility to, 1; Congenital myopathy 4A, autosomal dominant; Congenital multicore myopathy with external ophthalmoplegia; King Denborough syndrome. Last evaluated: 2021-09-01. Review status: criteria provided, single submitter. Criteria: ACMG Guidelines, 2015. Collection method: clinical testing. Allele origin: unknown.

CSER _CC_NCGL, University of Washington
Classification: Uncertain significance for Malignant hyperthermia. Last evaluated: 2016-10-01. Review status: criteria provided, single submitter. Criteria: Amendola et al. (Genome Res. 2015). Collection method: research. Allele origin: germline. Affected: no. Study: CSER - NEXT Medicine variant annotation.
Comment: This interpretation considers GERP score and allele frequency data, in addition to published reports of the variant in the literature, available at the time of review.

Clinical Genetics DNA and cytogenetics Diagnostics Lab, Erasmus MC, Erasmus Medical Center
Classification: Uncertain significance. Review status: no assertion criteria provided. Collection method: clinical testing. Allele origin: germline. Affected: yes. Study: VKGL Data-share Consensus. Not counted in ClinVar's aggregate classification.

Laboratory of Diagnostic Genome Analysis, Leiden University Medical Center (LUMC)
Classification: Uncertain significance. Review status: no assertion criteria provided. Collection method: clinical testing. Allele origin: germline. Affected: yes. Study: VKGL Data-share Consensus. Not counted in ClinVar's aggregate classification.

Literature cited by the submitters: PubMed 32236737 (cited by 3 submitters); PubMed 24627108 (cited by Molecular Genetics, Royal Melbourne Hospital); PubMed 27545679 (cited by Molecular Genetics, Royal Melbourne Hospital); PubMed 30325262 (cited by Molecular Genetics, Royal Melbourne Hospital); PubMed 32304219 (cited by Molecular Genetics, Royal Melbourne Hospital); PubMed 23919265 (cited by Victorian Clinical Genetics Services, Murdoch Childrens Research Institute); PubMed 27855725 (cited by Victorian Clinical Genetics Services, Murdoch Childrens Research Institute).